The following is an entry in ClinVar:

NM_004523.4(KIF11):c.2545G>C (p.Glu849Gln)

Gene: KIF11 (kinesin family member 11; plus strand). Cytogenetic location: 10q23.33.
Variant type: single nucleotide variant.
Coding change: c.2545G>C on transcript NM_004523.4 (MANE Select); coding-DNA position 2545, G replaced by C.
Protein change: p.Glu849Gln; replaces glutamic acid 849 with glutamine.
Molecular consequence: missense variant.
Genome position (GRCh38, 1-based): chr10:92,645,640, G>C. VCF-style: chr10-92645640-G-C. GRCh37 (hg19) VCF-style: chr10-94405397-G-C.
Other names: short protein forms E849Q.
Identifiers: ClinVar variation 1714349 (VCV001714349.5), dbSNP rs2492536937, ClinGen allele CA377594486.

ClinVar aggregate classification (germline): Uncertain significance (1 of 4 stars; one submission).

Submission:

Labcorp Genetics (formerly Invitae), Labcorp
Classification: Uncertain significance. Last evaluated: 2025-07-14. Review status: criteria provided, single submitter. Criteria: Invitae Variant Classification Sherloc (09022015). Collection method: clinical testing. Allele origin: germline.
Comment: This sequence change replaces glutamic acid, which is acidic and polar, with glutamine, which is neutral and polar, at codon 849 of the KIF11 protein (p.Glu849Gln). This variant is not present in population databases (gnomAD no frequency). This variant has not been reported in the literature in individuals affected with KIF11-related conditions. ClinVar contains an entry for this variant (Variation ID: 1714349). Invitae Evidence Modeling of protein sequence and biophysical properties (such as structural, functional, and spatial information, amino acid conservation, physicochemical variation, residue mobility, and thermodynamic stability) indicates that this missense variant is not expected to disrupt KIF11 protein function with a negative predictive value of 95%. In summary, the available evidence is currently insufficient to determine the role of this variant in disease. Therefore, it has been classified as a Variant of Uncertain Significance.